The following is an entry in ClinVar:

ClinVar aggregate classification (germline): Uncertain significance (1 of 4 stars; one submission).

Conditions:
Saldino-Mainzer syndrome (SRTD9). Also called: CONORENAL SYNDROME; Renal dysplasia, retinal pigmentary dystrophy, cerebellar ataxia and skeletal dysplasia; SHORT-RIB THORACIC DYSPLASIA 9 WITHOUT POLYDACTYLY; short-rib thoracic dysplasia 9 with or without polydactyly. Identifiers: Orphanet 140969, MedGen C1849437, MONDO:0009964, OMIM 266920.

Submission:

Labcorp Genetics (formerly Invitae), Labcorp
Classification: Uncertain significance for Saldino-Mainzer syndrome. Last evaluated: 2025-12-03. Review status: criteria provided, single submitter. Criteria: Invitae Variant Classification Sherloc (09022015). Collection method: clinical testing. Allele origin: germline.
Comment: This sequence change replaces methionine, which is neutral and non-polar, with valine, which is neutral and non-polar, at codon 1056 of the IFT140 protein (p.Met1056Val). This variant is present in population databases (rs747761380, gnomAD 0.009%). This variant has not been reported in the literature in individuals affected with IFT140-related conditions. Invitae Evidence Modeling of protein sequence and biophysical properties (such as structural, functional, and spatial information, amino acid conservation, physicochemical variation, residue mobility, and thermodynamic stability) indicates that this missense variant is not expected to disrupt IFT140 protein function with a negative predictive value of 80%. In summary, the available evidence is currently insufficient to determine the role of this variant in disease. Therefore, it has been classified as a Variant of Uncertain Significance.

NM_014714.4(IFT140):c.3166A>G (p.Met1056Val)

Gene: IFT140 (intraflagellar transport 140; minus strand). Cytogenetic location: 16p13.3.
Variant type: single nucleotide variant.
Coding change: c.3166A>G on transcript NM_014714.4 (MANE Select); coding-DNA position 3166, A replaced by G.
Protein change: p.Met1056Val; replaces methionine 1056 with valine.
Molecular consequence: missense variant.
Genome position (GRCh38, 1-based): chr16:1,523,932, T>C on the plus strand (A>G on the coding strand, the complement: IFT140 is on the minus strand). VCF-style: chr16-1523932-T-C. GRCh37 (hg19) VCF-style: chr16-1573933-T-C.
Other names: short protein forms M1056V.
Identifiers: ClinVar variation 4737414 (VCV004737414.1).
Genomic context (GRCh38, chr16:1,523,932, plus strand): 5'-CCTCGTAGTATCGGGCCGCCTCGATCATGTCCTCGGGGGAGCTCAGCAGGGCCAAGTTCA[T>C]GAGCTGGTCGTCCAGGCCGTTCTCCTGCAGGGAGGGAGGCAGGGCCCTGAAGCGGCTCCC-3'
Protein context (NP_055529.2, residues 1046-1066): CKENGLDDQL[Met1056Val]NLALLSSPED